The following is an entry in ClinVar:

ClinVar aggregate classification (germline): Uncertain significance (1 of 4 stars; one submission).

Conditions:
BAP1-related tumor predisposition syndrome (TPDS1). Also called: COMMON Syndrome; TUMOR PREDISPOSITION SYNDROME 1; Tumor susceptibility linked to germline BAP1 mutations; BAP1 tumor predisposition syndrome. Identifiers: Orphanet 289539, MedGen C3280492, MONDO:0013692, OMIM 614327.

Submission:

Labcorp Genetics (formerly Invitae), Labcorp
Classification: Uncertain significance for BAP1-related tumor predisposition syndrome. Last evaluated: 2025-08-18. Review status: criteria provided, single submitter. Criteria: Invitae Variant Classification Sherloc (09022015). Collection method: clinical testing. Allele origin: germline.
Comment: This sequence change falls in intron 10 of the BAP1 gene. It does not directly change the encoded amino acid sequence of the BAP1 protein. It affects a nucleotide within the consensus splice site. This variant is not present in population databases (gnomAD no frequency). This variant has not been reported in the literature in individuals affected with BAP1-related conditions. ClinVar contains an entry for this variant (Variation ID: 1356101). Variants that disrupt the consensus splice site are a relatively common cause of aberrant splicing (PMID: 17576681, 9536098). Algorithms developed to predict the effect of sequence changes on RNA splicing suggest that this variant may disrupt the consensus splice site. In summary, the available evidence is currently insufficient to determine the role of this variant in disease. Therefore, it has been classified as a Variant of Uncertain Significance.

Literature cited by the submitters: PubMed 17576681; PubMed 9536098.

NM_004656.4(BAP1):c.931+3A>C

Gene: BAP1 (BRCA1 associated deubiquitinase 1; minus strand). Cytogenetic location: 3p21.1.
Variant type: single nucleotide variant.
Coding change: c.931+3A>C on transcript NM_004656.4 (MANE Select); 3 bases into the intron after coding-DNA position 931, A replaced by C.
Molecular consequence: intron variant.
Genome position (GRCh38, 1-based): chr3:52,405,762, T>G on the plus strand (A>C on the coding strand, the complement: BAP1 is on the minus strand). VCF-style: chr3-52405762-T-G. GRCh37 (hg19) VCF-style: chr3-52439778-T-G.
Identifiers: ClinVar variation 1356101 (VCV001356101.6), dbSNP rs1705135424, ClinGen allele CA2573137335.